The following is an entry in ClinVar:

ClinVar aggregate classification (germline): Uncertain significance (1 of 4 stars; one submission).

Submission:

Labcorp Genetics (formerly Invitae), Labcorp
Classification: Uncertain significance. Last evaluated: 2025-02-04. Review status: criteria provided, single submitter. Criteria: Invitae Variant Classification Sherloc (09022015). Collection method: clinical testing. Allele origin: germline.
Comment: This sequence change replaces lysine, which is basic and polar, with arginine, which is basic and polar, at codon 1114 of the ADGRB2 protein (p.Lys1114Arg). This variant is not present in population databases (gnomAD no frequency). This variant has not been reported in the literature in individuals affected with ADGRB2-related conditions. An algorithm developed to predict the effect of missense changes on protein structure and function (PolyPhen-2) suggests that this variant is likely to be tolerated. In summary, the available evidence is currently insufficient to determine the role of this variant in disease. Therefore, it has been classified as a Variant of Uncertain Significance.

NM_001364857.2(ADGRB2):c.3341A>G (p.Lys1114Arg)

Gene: ADGRB2 (adhesion G protein-coupled receptor B2; minus strand). Cytogenetic location: 1p35.2.
Variant type: single nucleotide variant.
Coding change: c.3341A>G on transcript NM_001364857.2 (MANE Select); coding-DNA position 3341, A replaced by G.
Protein change: p.Lys1114Arg; replaces lysine 1114 with arginine.
Molecular consequence: missense variant.
Genome position (GRCh38, 1-based): chr1:31,735,592, T>C on the plus strand (A>G on the coding strand, the complement: ADGRB2 is on the minus strand). VCF-style: chr1-31735592-T-C. GRCh37 (hg19) VCF-style: chr1-32201193-T-C.
Other names: c.3341A>G, p.Lys1114Arg (NM_001294335.2, NM_001294336.2); short protein forms K1114R.
Identifiers: ClinVar variation 4712260 (VCV004712260.1).